The following is an entry in ClinVar:

ClinVar aggregate classification (germline): Likely benign (0 of 4 stars; one submission).

Conditions:
LEPR-related disorder. Also called: LEPR-related condition; LEPR-related disorders.

Submission:

PreventionGenetics, part of Exact Sciences
Classification: Likely benign for LEPR-related condition. Last evaluated: 2023-11-27. Review status: no assertion criteria provided. Collection method: clinical testing. Allele origin: germline.
Comment: This variant is classified as likely benign based on ACMG/AMP sequence variant interpretation guidelines (Richards et al. 2015 PMID: 25741868, with internal and published modifications).

NM_002303.6(LEPR):c.1752+4C>A

Gene: LEPR (leptin receptor; plus strand). Cytogenetic location: 1p31.3.
Variant type: single nucleotide variant.
Coding change: c.1752+4C>A on transcript NM_002303.6 (MANE Select); 4 bases into the intron after coding-DNA position 1752, C replaced by A.
Molecular consequence: intron variant.
Genome position (GRCh38, 1-based): chr1:65,608,905, C>A. VCF-style: chr1-65608905-C-A. GRCh37 (hg19) VCF-style: chr1-66074588-C-A.
Other names: c.1752+4C>A (NM_001003679.3, NM_001003680.3, NM_001198689.2 and 2 more transcripts).
Identifiers: ClinVar variation 3353564 (VCV003353564.1).